The following is an entry in ClinVar:

NM_032043.3(BRIP1):c.1210G>T (p.Glu404Ter)

Gene: BRIP1 (BRCA1 interacting DNA helicase 1; minus strand). Cytogenetic location: 17q23.2.
Variant type: single nucleotide variant.
Coding change: c.1210G>T on transcript NM_032043.3 (MANE Select); coding-DNA position 1210, G replaced by T.
Protein change: p.Glu404Ter; replaces glutamic acid 404 with a stop codon.
Molecular consequence: nonsense.
Genome position (GRCh38, 1-based): chr17:61,799,230, C>A on the plus strand (G>T on the coding strand, the complement: BRIP1 is on the minus strand). VCF-style: chr17-61799230-C-A. GRCh37 (hg19) VCF-style: chr17-59876591-C-A.
Other names: short protein forms E404*.
Identifiers: ClinVar variation 1750370 (VCV001750370.2), dbSNP rs2145306748, ClinGen allele CA400483686.
Genomic context (GRCh38, chr17:61,799,230, plus strand): 5'-TATCTAGTTCATCCCGAGCAAACCGAAGCTGAACTTCTGTTACACTGTAACTTGCTGATT[C>A]CCGAGCACAGTCCTCGATGTTATGAGCTTCATCTAAAATGACAACCTGTTCTTTCAGATT-3'

ClinVar aggregate classification (germline): Pathogenic (1 of 4 stars; one submission).

Conditions:
Hereditary cancer-predisposing syndrome. Also called: Hereditary Cancer Syndrome; Hereditary neoplastic syndrome; Neoplastic Syndromes, Hereditary; Tumor predisposition. Identifiers: Orphanet 140162, MedGen C0027672, MeSH D009386, MONDO:0015356.

Submission:

Ambry Genetics
Classification: Pathogenic for Hereditary cancer-predisposing syndrome. Last evaluated: 2019-12-09. Review status: criteria provided, single submitter. Criteria: Ambry Variant Classification Scheme 2023. Collection method: clinical testing. Allele origin: germline.
Comment: The p.E404* pathogenic mutation (also known as c.1210G>T), located in coding exon 8 of the BRIP1 gene, results from a G to T substitution at nucleotide position 1210. This changes the amino acid from a glutamic acid to a stop codon within coding exon 8. This alteration is expected to result in loss of function by premature protein truncation or nonsense-mediated mRNA decay. As such, this alteration is interpreted as a disease-causing mutation.